The following is an entry in ClinVar:

ClinVar aggregate classification (germline): Uncertain significance. Review status: criteria provided, multiple submitters, no conflicts (2 of 4 stars). 3 submissions from 3 submitters: Uncertain significance (3). Last evaluated 2024-10-18.

Conditions:
Arrhythmogenic cardiomyopathy with wooly hair and keratoderma. Also called: PALMOPLANTAR KERATODERMA WITH LEFT VENTRICULAR CARDIOMYOPATHY AND WOOLLY HAIR; Dilated cardiomyopathy with woolly hair and keratoderma; Arrhythmogenic cardiomyopathy with woolly hair and keratoderma; Carvajal syndrome. Identifiers: Orphanet 65282, MedGen C1854063, MONDO:0011581, OMIM 605676.
Arrhythmogenic right ventricular dysplasia 8 (ARVD8). Also called: Arrhythmogenic Right Ventricular Dysplasia/Cardiomyopathy 8; ARRHYTHMOGENIC RIGHT VENTRICULAR DYSPLASIA, FAMILIAL, 8; ARRHYTHMOGENIC RIGHT VENTRICULAR CARDIOMYOPATHY 8. Identifiers: MedGen C1843896, MONDO:0011831, OMIM 607450.
Cardiomyopathy (CMYO). Also called: Cardiomyopathies. Identifiers: Orphanet 167848, MedGen C0878544, MONDO:0004994, HP:0001638. Inheritance: Various modes of inheritance.

gnomAD v4.1: 2 of 1,614,206 alleles (0.00012%); highest among the groups gnomAD compares: Non-Finnish European, 0.00017%; no homozygotes.

Submissions (3):

Labcorp Genetics (formerly Invitae), Labcorp
Classification: Uncertain significance for Arrhythmogenic cardiomyopathy with wooly hair and keratoderma; Arrhythmogenic right ventricular dysplasia 8. Last evaluated: 2024-10-18. Review status: criteria provided, single submitter. Criteria: Invitae Variant Classification Sherloc (09022015). Collection method: clinical testing. Allele origin: germline.
Comment: This sequence change replaces proline, which is neutral and non-polar, with leucine, which is neutral and non-polar, at codon 627 of the DSP protein (p.Pro627Leu). This variant is not present in population databases (gnomAD no frequency). This variant has not been reported in the literature in individuals affected with DSP-related conditions. ClinVar contains an entry for this variant (Variation ID: 1409378). An algorithm developed to predict the effect of missense changes on protein structure and function (PolyPhen-2) suggests that this variant is likely to be disruptive. In summary, the available evidence is currently insufficient to determine the role of this variant in disease. Therefore, it has been classified as a Variant of Uncertain Significance.

All of Us Research Program, National Institutes of Health
Classification: Uncertain significance for Arrhythmogenic cardiomyopathy with wooly hair and keratoderma. Last evaluated: 2024-05-30. Review status: criteria provided, single submitter. Criteria: ACMG Guidelines, 2015. Collection method: clinical testing. Allele origin: germline. Inheritance: Autosomal dominant inheritance. Observed: 2 variant alleles, 2 heterozygotes.
Comment: This missense variant replaces proline with leucine at codon 627 of the DSP protein. Computational prediction suggests that this variant may not impact protein structure and function (internally defined REVEL score threshold <= 0.5, PMID: 27666373). To our knowledge, functional studies have not been reported for this variant. This variant has been reported in an individual affected with peripartum cardiomyopathy (PMID: 33874732). This variant has not been identified in the general population by the Genome Aggregation Database (gnomAD). The available evidence is insufficient to determine the role of this variant in disease conclusively. Therefore, this variant is classified as a Variant of Uncertain Significance.

This study involves interpretation of variants in research participants for the purpose of population health screening. Participant phenotype was not available at the time of variant classification. Additional details can be found in publication PMID: 35346344, PMCID: PMC8962531

Color Diagnostics, LLC DBA Color Health
Classification: Uncertain significance for Cardiomyopathy. Last evaluated: 2024-05-13. Review status: criteria provided, single submitter. Criteria: ACMG Guidelines, 2015. Collection method: clinical testing. Allele origin: germline.
Comment: This missense variant replaces proline with leucine at codon 627 of the DSP protein. Computational prediction suggests that this variant may not impact protein structure and function (internally defined REVEL score threshold <= 0.5, PMID: 27666373). To our knowledge, functional studies have not been reported for this variant. This variant has been reported in an individual affected with peripartum cardiomyopathy (PMID: 33874732). This variant has not been identified in the general population by the Genome Aggregation Database (gnomAD). The available evidence is insufficient to determine the role of this variant in disease conclusively. Therefore, this variant is classified as a Variant of Uncertain Significance.

Literature cited by the submitters: PubMed 33874732 (cited by All of Us Research Program, National Institutes of Health and Color Diagnostics, LLC DBA Color Health).

NM_004415.4(DSP):c.1880C>T (p.Pro627Leu)

Gene: DSP (desmoplakin; plus strand). Cytogenetic location: 6p24.3.
Variant type: single nucleotide variant.
Coding change: c.1880C>T on transcript NM_004415.4 (MANE Select); coding-DNA position 1880, C replaced by T.
Protein change: p.Pro627Leu; replaces proline 627 with leucine.
Molecular consequence: missense variant.
Genome position (GRCh38, 1-based): chr6:7,571,561, C>T. VCF-style: chr6-7571561-C-T. GRCh37 (hg19) VCF-style: chr6-7571794-C-T.
Other names: c.1880C>T, p.Pro627Leu (NM_001008844.3, NM_001319034.2); short protein forms P627L.
Identifiers: ClinVar variation 1409378 (VCV001409378.12), dbSNP rs2113679213, ClinGen allele CA362679735.